The following is an entry in ClinVar:

ClinVar aggregate classification (germline): Uncertain significance. Review status: criteria provided, multiple submitters, no conflicts (2 of 4 stars). 2 submissions from 2 submitters: Uncertain significance (2). Last evaluated 2025-10-22.

Conditions:
Inborn genetic diseases. Identifiers: MedGen C0950123, MeSH D030342.

Allele frequency attached by ClinVar (database versions not stated): gnomAD 0.00001; TOPMed 0.00001.
gnomAD v4.1: 9 of 1,614,010 alleles (0.00056%); highest among the groups gnomAD compares: East Asian, 0.0022%; no homozygotes.

Submissions (2):

Ambry Genetics
Classification: Uncertain significance for Inborn genetic diseases. Last evaluated: 2025-10-22. Review status: criteria provided, single submitter. Criteria: Ambry Variant Classification Scheme 2023. Collection method: clinical testing. Allele origin: germline.

Labcorp Genetics (formerly Invitae), Labcorp
Classification: Uncertain significance. Last evaluated: 2024-10-15. Review status: criteria provided, single submitter. Criteria: Invitae Variant Classification Sherloc (09022015). Collection method: clinical testing. Allele origin: germline.
Comment: This sequence change replaces tyrosine, which is neutral and polar, with histidine, which is basic and polar, at codon 675 of the P3H2 protein (p.Tyr675His). This variant is present in population databases (no rsID available, gnomAD 0.1%). This variant has not been reported in the literature in individuals affected with P3H2-related conditions. ClinVar contains an entry for this variant (Variation ID: 856650). An algorithm developed to predict the effect of missense changes on protein structure and function (PolyPhen-2) suggests that this variant is likely to be tolerated. In summary, the available evidence is currently insufficient to determine the role of this variant in disease. Therefore, it has been classified as a Variant of Uncertain Significance.

NM_018192.4(P3H2):c.2023T>C (p.Tyr675His)

Gene: P3H2 (prolyl 3-hydroxylase 2; minus strand). Cytogenetic location: 3q28.
Variant type: single nucleotide variant.
Coding change: c.2023T>C on transcript NM_018192.4 (MANE Select); coding-DNA position 2023, T replaced by C.
Protein change: p.Tyr675His; replaces tyrosine 675 with histidine.
Molecular consequence: missense variant.
Genome position (GRCh38, 1-based): chr3:189,963,969, A>G on the plus strand (T>C on the coding strand, the complement: P3H2 is on the minus strand). VCF-style: chr3-189963969-A-G. GRCh37 (hg19) VCF-style: chr3-189681758-A-G.
Other names: c.1480T>C, p.Tyr494His (NM_001134418.2); short protein forms Y494H, Y675H.
Identifiers: ClinVar variation 856650 (VCV000856650.9), dbSNP rs890670049, ClinGen allele CA89715963.